The following is an entry in ClinVar:

ClinVar aggregate classification (germline): Benign/Likely benign. Review status: criteria provided, multiple submitters, no conflicts (2 of 4 stars). 6 submissions from 6 submitters: Benign (1); Likely benign (4). 1 of the submissions does not count toward it. Last evaluated 2026-01-27.

Conditions:
Oto-palato-digital syndrome, type II (OPD2). Also called: FACIOPALATOOSSEOUS SYNDROME; Otopalatodigital Syndrome, Type II; Otopalatodigital Syndrome Type 2 (FLNA-OPD2); OPD II SYNDROME. Identifiers: Orphanet 669, Orphanet 90652, MedGen C1844696, MONDO:0010571, OMIM 304120.
Heterotopia, periventricular, X-linked dominant (PVNH1). Also called: X-linked periventricular heterotopia; PERIVENTRICULAR NODULAR HETEROTOPIA 1; PERIVENTRICULAR NODULAR HETEROTOPIA 4; HETEROTOPIA, PERIVENTRICULAR, 1. Identifiers: Orphanet 2149, Orphanet 82004, MedGen C1848213, MONDO:0010233, OMIM 300049.
Frontometaphyseal dysplasia (FMD1). Identifiers: Orphanet 1826, MedGen C0265293, MONDO:0015942.
Melnick-Needles syndrome (MNS). Also called: Melnick-Needles Syndrome (FLNA-MNS); MELNICK-NEEDLES OSTEODYSPLASTY; OSTEODYSPLASTY OF MELNICK AND NEEDLES. Identifiers: Orphanet 2484, MedGen C0025237, MONDO:0010650, OMIM 309350.
FLNA-related disorder.
Familial thoracic aortic aneurysm and aortic dissection (TAAD). Also called: Thoracic aortic aneurysms and dissections. Identifiers: Orphanet 91387, MedGen C4707243, MONDO:0019625.

Allele frequency attached by ClinVar (database versions not stated): TOPMed 0.00002; gnomAD 0.00006 and 0.00007; ESP Exome Variant Server 0.00010; gnomAD exomes 0.00010 and 0.00011; ExAC 0.00014; 1000 Genomes Project 30x 0.00042; 1000 Genomes Project 0.00053.
gnomAD v4.1: 124 of 1,203,665 alleles (0.01%); highest among the groups gnomAD compares: South Asian, 0.073%; no homozygotes.

Submissions (6):

Labcorp Genetics (formerly Invitae), Labcorp
Classification: Benign for Oto-palato-digital syndrome, type II; Heterotopia, periventricular, X-linked dominant; Frontometaphyseal dysplasia; Melnick-Needles syndrome. Last evaluated: 2026-01-27. Review status: criteria provided, single submitter. Criteria: Invitae Variant Classification Sherloc (09022015). Collection method: clinical testing. Allele origin: germline.

Ambry Genetics
Classification: Likely benign for Familial thoracic aortic aneurysm and aortic dissection. Last evaluated: 2025-07-31. Review status: criteria provided, single submitter. Criteria: Ambry Variant Classification Scheme 2023. Collection method: clinical testing. Allele origin: germline.

Blueprint Genetics
Classification: Likely benign. Last evaluated: 2024-07-19. Review status: criteria provided, single submitter. Criteria: ACMG Guidelines, 2015. Collection method: clinical testing. Allele origin: germline.

ARUP Laboratories, Molecular Genetics and Genomics, ARUP Laboratories
Classification: Likely benign. Last evaluated: 2024-06-18. Review status: criteria provided, single submitter. Criteria: ARUP Molecular Germline Variant Investigation Process 2024. Collection method: clinical testing. Allele origin: germline.

GeneDx
Classification: Likely benign. Last evaluated: 2015-04-15. Review status: criteria provided, single submitter. Criteria: GeneDx Variant Classification (06012015). Collection method: clinical testing. Allele origin: germline. Affected: yes.
Comment: This variant is considered likely benign or benign based on one or more of the following criteria: it is a conservative change, it occurs at a poorly conserved position in the protein, it is predicted to be benign by multiple in silico algorithms, and/or has population frequency not consistent with disease.

PreventionGenetics, part of Exact Sciences
Classification: Likely benign for FLNA-related condition. Last evaluated: 2020-12-22. Review status: no assertion criteria provided. Collection method: clinical testing. Allele origin: germline. Not counted in ClinVar's aggregate classification.
Comment: This variant is classified as likely benign based on ACMG/AMP sequence variant interpretation guidelines (Richards et al. 2015 PMID: 25741868, with internal and published modifications).

NM_001110556.2(FLNA):c.2843A>G (p.Asn948Ser)

Gene: FLNA (filamin A; minus strand). Cytogenetic location: Xq28.
Variant type: single nucleotide variant.
Coding change: c.2843A>G on transcript NM_001110556.2 (MANE Select); coding-DNA position 2843, A replaced by G.
Protein change: p.Asn948Ser; replaces asparagine 948 with serine.
Molecular consequence: missense variant.
Genome position (GRCh38, 1-based): chrX:154,361,771, T>C on the plus strand (A>G on the coding strand, the complement: FLNA is on the minus strand). VCF-style: chrX-154361771-T-C. GRCh37 (hg19) VCF-style: chrX-153590139-T-C.
Other names: p.N948S:AAT>AGT; c.2843A>G (NM_001110556.1); c.2843A>G, p.Asn948Ser (NM_001456.4); short protein forms N948S.
Identifiers: ClinVar variation 213442 (VCV000213442.19), dbSNP rs372718245, ClinGen allele CA323149.